The following is an entry in ClinVar:

ClinVar aggregate classification (germline): Uncertain significance (1 of 4 stars; one submission).

Conditions:
Congenital myasthenic syndrome 2A. Also called: Myasthenic syndrome, congenital, 2a, slow-channel. Identifiers: Orphanet 590, MedGen C4225374, MONDO:0014581, OMIM 616313.

Submission:

Labcorp Genetics (formerly Invitae), Labcorp
Classification: Uncertain significance for Congenital myasthenic syndrome 2A. Last evaluated: 2023-12-17. Review status: criteria provided, single submitter. Criteria: Invitae Variant Classification Sherloc (09022015). Collection method: clinical testing. Allele origin: germline.
Comment: This sequence change falls in intron 10 of the CHRNB1 gene. It does not directly change the encoded amino acid sequence of the CHRNB1 protein. It affects a nucleotide within the consensus splice site. This variant is not present in population databases (gnomAD no frequency). This variant has not been reported in the literature in individuals affected with CHRNB1-related conditions. ClinVar contains an entry for this variant (Variation ID: 946084). Variants that disrupt the consensus splice site are a relatively common cause of aberrant splicing (PMID: 17576681, 9536098). Algorithms developed to predict the effect of sequence changes on RNA splicing suggest that this variant is not likely to affect RNA splicing. In summary, the available evidence is currently insufficient to determine the role of this variant in disease. Therefore, it has been classified as a Variant of Uncertain Significance.

Literature cited by the submitters: PubMed 17576681; PubMed 9536098.

NM_000747.3(CHRNB1):c.1365+5del

Gene: CHRNB1 (cholinergic receptor nicotinic beta 1 subunit; plus strand). Cytogenetic location: 17p13.1.
Variant type: Deletion.
Coding change: c.1365+5del on transcript NM_000747.3 (MANE Select); 5 bases into the intron after coding-DNA position 1365, one base deleted (G; older notation c.1365+5delG).
Molecular consequence: intron variant.
Genome position (GRCh38, 1-based): chr17:7,455,946, G deleted. VCF-style (leftmost placement, unchanged base first): chr17-7455945-TG-T. GRCh37 (hg19) VCF-style: chr17-7359264-TG-T.
Identifiers: ClinVar variation 946084 (VCV000946084.7), dbSNP rs2069945881, ClinGen allele CA1139665099.